The following is an entry in ClinVar:

ClinVar aggregate classification (germline): Uncertain significance (1 of 4 stars; one submission).

Conditions:
Hereditary cancer-predisposing syndrome. Also called: Neoplastic Syndromes, Hereditary; Tumor predisposition; Hereditary Cancer Syndrome; Hereditary neoplastic syndrome. Identifiers: Orphanet 140162, MedGen C0027672, MeSH D009386, MONDO:0015356.

Submission:

Ambry Genetics
Classification: Uncertain significance for Hereditary cancer-predisposing syndrome. Last evaluated: 2025-11-04. Review status: criteria provided, single submitter. Criteria: Ambry Variant Classification Scheme 2023. Collection method: clinical testing. Allele origin: germline.
Comment: The p.*1409Wext*2 variant (also known as c.4226A>G), located in coding exon 20 of the MET gene, results from an A to G substitution at nucleotide position 4226, which is the last nucleotide of the MET gene. This alteration occurs at the 3' terminus of the gene, is not expected to trigger nonsense-mediated mRNAdecay and results in the elongation of the protein by two amino acids. This frameshift impacts the last amino acid of the native protein. The exact functional effect of the altered amino acids is unknown. Based on the available evidence, the clinical significance of this variant remains unclear.

NM_000245.4(MET):c.4172A>G (p.Ter1391Trp)

Gene: MET (MET proto-oncogene, receptor tyrosine kinase; plus strand). Cytogenetic location: 7q31.2.
Variant type: single nucleotide variant.
Coding change: c.4172A>G on transcript NM_000245.4 (MANE Select); coding-DNA position 4172, A replaced by G.
Protein change: p.Ter1391Trp.
Molecular consequence: stop lost.
Genome position (GRCh38, 1-based): chr7:116,796,123, A>G. VCF-style: chr7-116796123-A-G. GRCh37 (hg19) VCF-style: chr7-116436177-A-G.
Other names: c.4226A>G, p.Ter1409Trp (NM_001127500.3); c.2882A>G, p.Ter961Trp (NM_001324402.2).
Identifiers: ClinVar variation 4647784 (VCV004647784.1).
Genomic context (GRCh38, chr7:116,796,123, plus strand): 5'-CAGAAGATAACGCTGATGATGAGGTGGACACACGACCAGCCTCCTTCTGGGAGACATCAT[A>G]GTGCTAGTACTATGTCAAAGCAACAGTCCACACTTTGTCCAATGGTTTTTTCACTGCCTG-3'